The following is an entry in ClinVar:

ClinVar aggregate classification (germline): Likely benign (0 of 4 stars; one submission).

Conditions:
UTP4-related disorder. Also called: UTP4-related condition.

Submission:

PreventionGenetics, part of Exact Sciences
Classification: Likely benign for UTP4-related condition. Last evaluated: 2021-07-21. Review status: no assertion criteria provided. Collection method: clinical testing. Allele origin: germline.
Comment: This variant is classified as likely benign based on ACMG/AMP sequence variant interpretation guidelines (Richards et al. 2015 PMID: 25741868, with internal and published modifications).

NM_032830.3(UTP4):c.910+4_910+5delinsAA

Gene: UTP4 (UTP4 small subunit processome component). Cytogenetic location: 16q22.1.
Variant type: Indel.
Coding change: c.910+4_910+5delinsAA on transcript NM_032830.3 (MANE Select); bases 4 to 5 of the intron after coding-DNA position 910, the reference bases replaced by AA.
Molecular consequence: intron variant.
Genome position: GRCh38 VCF-style: chr16-69150712-GG-AA. GRCh37 (hg19) VCF-style: chr16-69184615-GG-AA.
Other names: c.661+4_661+5delinsAA (NM_001318391.2).
Identifiers: ClinVar variation 3061544 (VCV003061544.2), dbSNP rs2544400966, ClinGen allele CA2740093407.